The following is an entry in ClinVar:

ClinVar aggregate classification (germline): Likely benign (0 of 4 stars; one submission).

Conditions:
ARX-related disorder. Also called: ARX-Related Disorders; ARX-related condition. Identifiers: MedGen CN378769.

Submission:

PreventionGenetics, part of Exact Sciences
Classification: Likely benign for ARX-related condition. Last evaluated: 2023-02-09. Review status: no assertion criteria provided. Collection method: clinical testing. Allele origin: germline.
Comment: This variant is classified as likely benign based on ACMG/AMP sequence variant interpretation guidelines (Richards et al. 2015 PMID: 25741868, with internal and published modifications).

NM_139058.3(ARX):c.585G>C (p.Pro195=)

Gene: ARX (aristaless related homeobox; minus strand). Cytogenetic location: Xp21.3.
Variant type: single nucleotide variant.
Coding change: c.585G>C on transcript NM_139058.3 (MANE Select); coding-DNA position 585, G replaced by C.
Protein change: p.Pro195=; no amino-acid change (proline 195 retained).
Molecular consequence: synonymous variant.
Genome position (GRCh38, 1-based): chrX:25,013,410, C>G on the plus strand (G>C on the coding strand, the complement: ARX is on the minus strand). VCF-style: chrX-25013410-C-G. GRCh37 (hg19) VCF-style: chrX-25031527-C-G.
Identifiers: ClinVar variation 3048319 (VCV003048319.2), dbSNP rs2519107027, ClinGen allele CA515948159.
Genomic context (GRCh38, chrX:25,013,410, plus strand): 5'-CGGGGCGCTGCCCGGGCCGCCGGCCACGCCGAGGCGCTCCTCCGGGTGCGTGACGCCCCC[C>G]GGGCCGCCCAGCTCGTCCAGCGCGGGCGGCGGCGGCACGAAGGGCGCCCCGTTCTCGCGG-3'
Protein context (NP_620689.1, residues 185-205): PPPALDELGG[Pro195=]GGVTHPEERL